The following is an entry in ClinVar:

NM_020312.4(COQ9):c.385G>C (p.Gly129Arg)

Gene: COQ9 (coenzyme Q9; plus strand). Cytogenetic location: 16q21.
Variant type: single nucleotide variant.
Coding change: c.385G>C on transcript NM_020312.4 (MANE Select); coding-DNA position 385, G replaced by C.
Protein change: p.Gly129Arg; replaces glycine 129 with arginine.
Molecular consequence: missense variant.
Genome position (GRCh38, 1-based): chr16:57,456,510, G>C. VCF-style: chr16-57456510-G-C. GRCh37 (hg19) VCF-style: chr16-57490422-G-C.
Other names: short protein forms G129R.
Identifiers: ClinVar variation 2007207 (VCV002007207.3), dbSNP rs1391021317, ClinGen allele CA396028071.
Genomic context (GRCh38, chr16:57,456,510, plus strand): 5'-AATGTACCCTACACTTGGGCACCGCTTTTCTGTTTTCTGTCTCCCCTTTTGTAGTCTCTG[G>C]GTCTCTCCAGTGCAGCAGCCAGCATGTTCGGGAAGGATGGCAGTGAGCTAATACTGCATT-3'
Protein context (NP_064708.1, residues 119-139): EAIAEGAQSL[Gly129Arg]LSSAAASMFG

ClinVar aggregate classification (germline): Uncertain significance (1 of 4 stars; one submission).

gnomAD v4.1: 1 of 1,614,108 alleles (0.000062%); highest among the groups gnomAD compares: Admixed American, 0.0017%; no homozygotes.

Submission:

Labcorp Genetics (formerly Invitae), Labcorp
Classification: Uncertain significance. Last evaluated: 2025-01-06. Review status: criteria provided, single submitter. Criteria: Invitae Variant Classification Sherloc (09022015). Collection method: clinical testing. Allele origin: germline.
Comment: This sequence change replaces glycine, which is neutral and non-polar, with arginine, which is basic and polar, at codon 129 of the COQ9 protein (p.Gly129Arg). This variant is present in population databases (no rsID available, gnomAD 0.003%). This variant has not been reported in the literature in individuals affected with COQ9-related conditions. ClinVar contains an entry for this variant (Variation ID: 2007207). An algorithm developed to predict the effect of missense changes on protein structure and function (PolyPhen-2) suggests that this variant is likely to be disruptive. In summary, the available evidence is currently insufficient to determine the role of this variant in disease. Therefore, it has been classified as a Variant of Uncertain Significance.